The following is an entry in ClinVar:

ClinVar aggregate classification (germline): Benign/Likely benign. Review status: criteria provided, multiple submitters, no conflicts (2 of 4 stars). 9 submissions from 9 submitters: Benign (1); Likely benign (7). 1 of the submissions does not count toward it. Last evaluated 2026-09-01.

Conditions:
Inborn genetic diseases. Identifiers: MedGen C0950123, MeSH D030342.
Hypogonadotropic hypogonadism 5 with or without anosmia (KAL5). Also called: HYPOGONADOTROPIC HYPOGONADISM 5 WITH ANOSMIA; HYPOGONADOTROPHIC HYPOGONADISM 5 WITHOUT ANOSMIA; CHD7-Related GnRH Deficiency (Kallmann Syndrome 5). Identifiers: Orphanet 478, MedGen C3552553, MONDO:0012880, OMIM 612370. Disease mechanism: loss of function.
CHD7-related disorder. Also called: CHD7-related condition.
CHARGE syndrome (CHARGE). Also called: CHARGE ASSOCIATION--COLOBOMA, HEART ANOMALY, CHOANAL ATRESIA, RETARDATION, GENITAL AND EAR ANOMALIES; Coloboma, heart anomaly, choanal atresia, retardation, genital and ear anomalies; CHARGE association; Hall-Hittner syndrome; Hittner Hirsch Kreh syndrome. Identifiers: Orphanet 138, MedGen C0265354, MONDO:0008965.

Allele frequency attached by ClinVar (database versions not stated): TOPMed 0.00012; gnomAD 0.00019; ExAC 0.00035; 1000 Genomes Project 0.00080; 1000 Genomes Project 30x 0.00094.
gnomAD v4.1: 159 of 1,606,794 alleles (0.0099%); highest among the groups gnomAD compares: Admixed American, 0.18%; no homozygotes.

Submissions (9):

CeGaT Center for Human Genetics Tuebingen
Classification: Likely benign. Last evaluated: 2026-09-01. Review status: criteria provided, single submitter. Criteria: CeGaT Center For Human Genetics Tuebingen Variant Classification Criteria Version 2. Collection method: clinical testing. Allele origin: germline. Affected: yes. Observed: 3 variant alleles.
Comment: CHD7: PP3, BS1

Labcorp Genetics (formerly Invitae), Labcorp
Classification: Likely benign for CHARGE syndrome. Last evaluated: 2025-12-17. Review status: criteria provided, single submitter. Criteria: Invitae Variant Classification Sherloc (09022015). Collection method: clinical testing. Allele origin: germline.

Women's Health and Genetics/Laboratory Corporation of America, LabCorp
Classification: Likely benign. Last evaluated: 2024-11-21. Review status: criteria provided, single submitter. Criteria: LabCorp Variant Classification Summary - May 2015. Collection method: clinical testing. Allele origin: germline.
Comment: Variant summary: CHD7 c.8740G>A (p.Gly2914Arg) results in a non-conservative amino acid change in the encoded protein sequence. Five of five in-silico tools predict a damaging effect of the variant on protein function. The variant allele was found at a frequency of 0.00031 in 245250 control chromosomes, with a total of 77 heterozygotes in gnomAD v2, this variant might be a benign change in CHD7-related diseases. c.8740G>A has been reported in the literature in individuals affected with Anterior hypospadia, without strong evidence for causality (Vuthy_2019). These report(s) do not provide unequivocal conclusions about association of the variant with Hypogonadotropic Hypogonadism 5 With Or Without Anosmia. To our knowledge, no experimental evidence demonstrating an impact on protein function has been reported. The following publication have been ascertained in the context of this evaluation (PMID: 33468338). ClinVar contains an entry for this variant (Variation ID: 363486). Based on the evidence outlined above, the variant was classified as likely benign.

Blueprint Genetics
Classification: Likely benign. Last evaluated: 2024-02-22. Review status: criteria provided, single submitter. Criteria: ACMG Guidelines, 2015. Collection method: clinical testing. Allele origin: germline.

GeneDx
Classification: Benign. Last evaluated: 2021-09-07. Review status: criteria provided, single submitter. Criteria: GeneDx Variant Classification Process June 2021. Collection method: clinical testing. Allele origin: germline. Affected: yes.

Illumina Laboratory Services, Illumina
Classification: Likely benign for Kallmann Syndrome 5. Last evaluated: 2018-01-12. Review status: criteria provided, single submitter. Criteria: ICSL Variant Classification Criteria 13 December 2019. Collection method: clinical testing. Allele origin: germline.
Comment: This variant was observed in the ICSL laboratory as part of a predisposition screen in an ostensibly healthy population. It had not been previously curated by ICSL or reported in the Human Gene Mutation Database (HGMD: prior to June 1st, 2018), and was therefore a candidate for classification through an automated scoring system. Utilizing variant allele frequency, disease prevalence and penetrance estimates, and inheritance mode, an automated score was calculated to assess if this variant is too frequent to cause the disease. Based on the score and internal cut-off values, a variant classified as likely benign is not then subjected to further curation. The score for this variant resulted in a classification of likely benign for this disease.

Ambry Genetics
Classification: Likely benign for Inborn genetic diseases. Last evaluated: 2017-06-12. Review status: criteria provided, single submitter. Criteria: Ambry Variant Classification Scheme 2023. Collection method: clinical testing. Allele origin: germline.

Center for Human Genetics, Inc
Classification: Likely benign for CHARGE syndrome. Last evaluated: 2016-11-01. Review status: criteria provided, single submitter. Criteria: ACMG Guidelines, 2015. Collection method: clinical testing. Allele origin: germline. Affected: yes.

PreventionGenetics, part of Exact Sciences
Classification: Likely benign for CHD7-related condition. Last evaluated: 2021-09-28. Review status: no assertion criteria provided. Collection method: clinical testing. Allele origin: germline. Not counted in ClinVar's aggregate classification.
Comment: This variant is classified as likely benign based on ACMG/AMP sequence variant interpretation guidelines (Richards et al. 2015 PMID: 25741868, with internal and published modifications).

Literature cited by the submitters: PubMed 33468338 (cited by Women's Health and Genetics/Laboratory Corporation of America, LabCorp).

NM_017780.4(CHD7):c.8740G>A (p.Gly2914Arg)

Gene: CHD7 (chromodomain helicase DNA binding protein 7; plus strand). Cytogenetic location: 8q12.2.
Variant type: single nucleotide variant.
Coding change: c.8740G>A on transcript NM_017780.4 (MANE Select); coding-DNA position 8740, G replaced by A.
Protein change: p.Gly2914Arg; replaces glycine 2914 with arginine.
Molecular consequence: missense variant.
Genome position (GRCh38, 1-based): chr8:60,865,679, G>A. VCF-style: chr8-60865679-G-A. GRCh37 (hg19) VCF-style: chr8-61778238-G-A.
Other names: c.8740G>A (LRG_176t1); c.2593G>A, p.Gly865Arg (NM_001316690.1); short protein forms G2914R, G865R.
Identifiers: ClinVar variation 363486 (VCV000363486.28), dbSNP rs187751757, ClinGen allele CA4761062.